The following is an entry in ClinVar:

NM_015978.3(TNNI3K):c.1589A>G (p.Asn530Ser)

Genes: FPGT-TNNI3K (FPGT-TNNI3K readthrough; plus strand), TNNI3K (TNNI3 interacting kinase; plus strand). Cytogenetic location: 1p31.1.
Variant type: single nucleotide variant.
Coding change: c.1589A>G on transcript NM_015978.3 (MANE Select); coding-DNA position 1589, A replaced by G.
Protein change: p.Asn530Ser; replaces asparagine 530 with serine.
Molecular consequence: missense variant.
Genome position (GRCh38, 1-based): chr1:74,369,507, A>G. VCF-style: chr1-74369507-A-G. GRCh37 (hg19) VCF-style: chr1-74835191-A-G.
Other names: c.1892A>G, p.Asn631Ser (NM_001112808.3, NM_001199327.2); c.1589A>G (NM_015978.2); short protein forms N631S, N530S.
Identifiers: ClinVar variation 1903511 (VCV001903511.6), dbSNP rs763924961, ClinGen allele CA24545175.
Genomic context (GRCh38, chr1:74,369,507, plus strand): 5'-TGTCCATTCTCTGCCAGCTCAATCATCCCTGCGTAATTCAGTTTGTGGGTGCTTGCTTGA[A>G]TGATCCCAGCCAGTTTGCCATTGTCACTCAATACATATCAGGGGGTTCTCTGTTCTCCCT-3'
Protein context (NP_057062.1, residues 520-540): CVIQFVGACL[Asn530Ser]DPSQFAIVTQ

ClinVar aggregate classification (germline): Uncertain significance. Review status: criteria provided, multiple submitters, no conflicts (2 of 4 stars). 2 submissions from 2 submitters: Uncertain significance (2). Last evaluated 2026-01-19.

Conditions:
Inborn genetic diseases. Identifiers: MedGen C0950123, MeSH D030342.

Allele frequency attached by ClinVar (database versions not stated): TOPMed 0.00001; gnomAD exomes 0.00002.
gnomAD v4.1: 23 of 1,612,806 alleles (0.0014%); highest among the groups gnomAD compares: Non-Finnish European, 0.002%; no homozygotes.

Submissions (2):

Labcorp Genetics (formerly Invitae), Labcorp
Classification: Uncertain significance. Last evaluated: 2026-01-19. Review status: criteria provided, single submitter. Criteria: Invitae Variant Classification Sherloc (09022015). Collection method: clinical testing. Allele origin: germline.
Comment: This sequence change replaces asparagine, which is neutral and polar, with serine, which is neutral and polar, at codon 530 of the TNNI3K protein (p.Asn530Ser). This variant is present in population databases (rs763924961, gnomAD 0.0009%). This variant has not been reported in the literature in individuals affected with TNNI3K-related conditions. ClinVar contains an entry for this variant (Variation ID: 1903511). Invitae Evidence Modeling of protein sequence and biophysical properties (such as structural, functional, and spatial information, amino acid conservation, physicochemical variation, residue mobility, and thermodynamic stability) indicates that this missense variant is not expected to disrupt TNNI3K protein function with a negative predictive value of 80%. In summary, the available evidence is currently insufficient to determine the role of this variant in disease. Therefore, it has been classified as a Variant of Uncertain Significance.

Ambry Genetics
Classification: Uncertain significance for Inborn genetic diseases. Last evaluated: 2025-08-29. Review status: criteria provided, single submitter. Criteria: Ambry Variant Classification Scheme 2023. Collection method: clinical testing. Allele origin: germline.